The following is an entry in ClinVar:

NM_001277115.2(DNAH11):c.10562A>G (p.Gln3521Arg)

Gene: DNAH11 (dynein axonemal heavy chain 11; plus strand). Cytogenetic location: 7p15.3.
Variant type: single nucleotide variant.
Coding change: c.10562A>G on transcript NM_001277115.2 (MANE Select); coding-DNA position 10562, A replaced by G.
Protein change: p.Gln3521Arg; replaces glutamine 3521 with arginine.
Molecular consequence: missense variant.
Genome position (GRCh38, 1-based): chr7:21,816,696, A>G. VCF-style: chr7-21816696-A-G. GRCh37 (hg19) VCF-style: chr7-21856314-A-G.
Other names: c.10562A>G (NM_001277115.1); short protein forms Q3521R.
Identifiers: ClinVar variation 1483498 (VCV001483498.8), dbSNP rs2128000172, ClinGen allele CA366949273.
Genomic context (GRCh38, chr7:21,816,696, plus strand): 5'-AGGGAATTAAGTGGATCAAGAATAAGTATGGAATGGACCTGAAAGTCACACATTTGGGCC[A>G]GAAAGGGTATGTGAAGTTTGAAGAGACTGGCTTTCTGTTTACCTGCTGTGAAGTGGGTCT-3'
Protein context (NP_001264044.1, residues 3511-3531): GMDLKVTHLG[Gln3521Arg]KGFLNAIETA

ClinVar aggregate classification (germline): Uncertain significance. Review status: criteria provided, multiple submitters, no conflicts (2 of 4 stars). 2 submissions from 2 submitters: Uncertain significance (2). Last evaluated 2023-01-31.

Conditions:
Primary ciliary dyskinesia. Also called: Ciliary dyskinesia. Identifiers: Orphanet 244, MedGen C0008780, MONDO:0016575, HP:0012265.

Allele frequency attached by ClinVar (database versions not stated): gnomAD exomes 0.00001.
gnomAD v4.1: 7 of 1,613,274 alleles (0.00043%); highest among the groups gnomAD compares: Non-Finnish European, 0.00059%; no homozygotes.

Submissions (2):

Ambry Genetics
Classification: Uncertain significance for Primary ciliary dyskinesia. Last evaluated: 2023-01-31. Review status: criteria provided, single submitter. Criteria: Ambry Variant Classification Scheme 2023. Collection method: clinical testing. Allele origin: germline.

Labcorp Genetics (formerly Invitae), Labcorp
Classification: Uncertain significance for Primary ciliary dyskinesia. Last evaluated: 2021-09-21. Review status: criteria provided, single submitter. Criteria: Invitae Variant Classification Sherloc (09022015). Collection method: clinical testing. Allele origin: germline.
Comment: This sequence change replaces glutamine with arginine at codon 3521 of the DNAH11 protein (p.Gln3521Arg). The glutamine residue is highly conserved and there is a small physicochemical difference between glutamine and arginine. Advanced modeling of protein sequence and biophysical properties (such as structural, functional, and spatial information, amino acid conservation, physicochemical variation, residue mobility, and thermodynamic stability) performed at Invitae indicates that this missense variant is not expected to disrupt DNAH11 protein function. In summary, the available evidence is currently insufficient to determine the role of this variant in disease. Therefore, it has been classified as a Variant of Uncertain Significance. This variant is not present in population databases (ExAC no frequency). This variant has not been reported in the literature in individuals affected with DNAH11-related conditions.